The following is an entry in ClinVar:

NM_020529.3(NFKBIA):c.778C>T (p.Arg260Cys)

Gene: NFKBIA (NFKB inhibitor alpha; minus strand). Cytogenetic location: 14q13.2.
Variant type: single nucleotide variant.
Coding change: c.778C>T on transcript NM_020529.3 (MANE Select); coding-DNA position 778, C replaced by T.
Protein change: p.Arg260Cys; replaces arginine 260 with cysteine.
Molecular consequence: missense variant.
Genome position (GRCh38, 1-based): chr14:35,402,522, G>A on the plus strand (C>T on the coding strand, the complement: NFKBIA is on the minus strand). VCF-style: chr14-35402522-G-A. GRCh37 (hg19) VCF-style: chr14-35871728-G-A.
Other names: short protein forms R260C.
Identifiers: ClinVar variation 4748323 (VCV004748323.1).

ClinVar aggregate classification (germline): Uncertain significance (1 of 4 stars; one submission).

Conditions:
Ectodermal dysplasia and immunodeficiency 2. Identifiers: Orphanet 238468, Orphanet 98813, MedGen C2677481, MONDO:0012806, OMIM 612132.

gnomAD v4.1: 4 of 1,614,180 alleles (0.00025%); highest among the groups gnomAD compares: African/African-American, 0.0013%; no homozygotes.

Submission:

Labcorp Genetics (formerly Invitae), Labcorp
Classification: Uncertain significance for Ectodermal dysplasia and immunodeficiency 2. Last evaluated: 2025-08-06. Review status: criteria provided, single submitter. Criteria: Invitae Variant Classification Sherloc (09022015). Collection method: clinical testing. Allele origin: germline.
Comment: This sequence change replaces arginine, which is basic and polar, with cysteine, which is neutral and slightly polar, at codon 260 of the NFKBIA protein (p.Arg260Cys). This variant is present in population databases (rs528542318, gnomAD 0.007%). This variant has not been reported in the literature in individuals affected with NFKBIA-related conditions. An algorithm developed to predict the effect of missense changes on protein structure and function (PolyPhen-2) suggests that this variant is likely to be disruptive. In summary, the available evidence is currently insufficient to determine the role of this variant in disease. Therefore, it has been classified as a Variant of Uncertain Significance.